The following is an entry in ClinVar:

NM_001080414.4(CCDC88C):c.478C>T (p.Gln160Ter)

Gene: CCDC88C (coiled-coil and HOOK domain protein 88C; minus strand). Cytogenetic location: 14q32.11.
Variant type: single nucleotide variant.
Coding change: c.478C>T on transcript NM_001080414.4 (MANE Select); coding-DNA position 478, C replaced by T.
Protein change: p.Gln160Ter; replaces glutamine 160 with a stop codon.
Molecular consequence: nonsense. On other transcripts: non-coding transcript variant (2).
Genome position (GRCh38, 1-based): chr14:91,342,385, G>A on the plus strand (C>T on the coding strand, the complement: CCDC88C is on the minus strand). VCF-style: chr14-91342385-G-A. GRCh37 (hg19) VCF-style: chr14-91808729-G-A.
Other names: short protein forms Q160*.
Identifiers: ClinVar variation 5013477 (VCV005013477.1).

ClinVar aggregate classification (germline): Pathogenic (1 of 4 stars; one submission).

Conditions:
Hydrocephalus, nonsyndromic, autosomal recessive 1 (HYC1). Also called: Hydrocephalus, nonsyndromic, autosomal recessive; Congenital hydrocephalus 1. Identifiers: Orphanet 2185, MedGen C3887608, MONDO:0009360, OMIM 236600.

Submission:

Myriad Genetics, Inc.
Classification: Pathogenic for Hydrocephalus, nonsyndromic, autosomal recessive 1. Last evaluated: 2024-08-21. Review status: criteria provided, single submitter. Criteria: Myriad Autosomal Dominant, Autosomal Recessive and X-Linked Classification Criteria (2023). Collection method: clinical testing. Allele origin: unknown.
Comment: NM_001080414.3(CCDC88C):c.478C>T(Q160*) is expected to be pathogenic in the context of congenital hydrocephalus, CCDC88C-related. This variant is predicted to lead to an abnormal or absent protein product due to the creation of a premature termination codon in CCDC88C, a gene where loss-of-function variants are known to be pathogenic. Please note: this variant was assessed in the context of healthy population screening.